The following is an entry in ClinVar:

NM_000142.5(FGFR3):c.2419T>C (p.Ter807Arg)

Gene: FGFR3 (fibroblast growth factor receptor 3; plus strand). Cytogenetic location: 4p16.3.
Variant type: single nucleotide variant.
Coding change: c.2419T>C on transcript NM_000142.5 (MANE Select); coding-DNA position 2419, T replaced by C.
Protein change: p.Ter807Arg.
Molecular consequence: stop lost. On other transcripts: missense variant (1), non-coding transcript variant (1).
Genome position (GRCh38, 1-based): chr4:1,807,260, T>C. VCF-style: chr4-1807260-T-C. GRCh37 (hg19) VCF-style: chr4-1808987-T-C.
Other names: *807delinsArgArgA; *807R; *809R; *695R; *808R; p.*807Argext*101; c.2425T>C, p.Ter809Arg (NM_001163213.2); c.2422T>C, p.Ter808Arg (NM_001354809.2); and 3 more; short protein forms V784A.
Identifiers: ClinVar variation 65561 (VCV000065561.7), dbSNP rs121913101, ClinGen allele CA344893.

ClinVar aggregate classification (germline): Pathogenic/Likely pathogenic. Review status: criteria provided, multiple submitters, no conflicts (2 of 4 stars). 5 submissions from 5 submitters: Pathogenic (2); Likely pathogenic (2). 1 of the submissions does not count toward it. Last evaluated 2026-06-23.

Conditions:
Thanatophoric dysplasia. Also called: THANATOPHORIC DWARFISM. Identifiers: Orphanet 2655, MedGen C0039743, MONDO:0017042.
FGFR3-related chondrodysplasia. Identifiers: Orphanet 93420, MedGen C5681604, MONDO:0019685.
Thanatophoric dysplasia type 1 (TD1). Also called: PLATYSPONDYLIC LETHAL SKELETAL DYSPLASIA, SAN DIEGO TYPE; LETHAL SHORT-LIMBED PLATYSPONDYLIC DWARFISM, SAN DIEGO TYPE; Thanatophoric Dysplasia Type 1 (TD Type 1). Identifiers: Orphanet 1860, Orphanet 2655, MedGen C1868678, MONDO:0008546, OMIM 187600. Disease mechanism: gain of function.

Submissions (5):

Genomenon, Inc
Classification: Pathogenic for FGFR3-related chondrodysplasia. Last evaluated: 2026-06-23. Review status: criteria provided, single submitter. Criteria: Genomenon Sequence Variant Interpretation Standards - Updated. Collection method: curation. Allele origin: germline. Affected: yes.
Comment: FGFR3 p.Ter807ArgextTer101 (c.2419T>C) is a stop-loss variant that results in a C-terminal protein extension. This variant has been observed in at least one proband with an FGFR3-related disorder (PMID:31476288;25614871). A de novo occurrence of this variant has been observed in at least one affected individual (PMID:31476288). Functional studies have been reported (PMID:17509076). It is absent or not present at a significant frequency in gnomAD. In conclusion, we classify FGFR3 p.Ter807ArgextTer101 (c.2419T>C) as a pathogenic variant.

Institute of Medical Genetics and Applied Genomics, University Hospital Tübingen
Classification: Pathogenic for Thanatophoric dysplasia type 1. Last evaluated: 2026-05-12. Review status: criteria provided, single submitter. Criteria: ACMG Guidelines, 2015. Collection method: clinical testing. Allele origin: de novo. Inheritance: Autosomal dominant inheritance. Affected: yes.

Dasa
Classification: Likely pathogenic. Last evaluated: 2024-05-13. Review status: criteria provided, single submitter. Criteria: DASA Assertion Criteria. Collection method: clinical testing. Allele origin: germline.
Comment: NM_000142.5(FGFR3):c.2419T>C (p.*807Argext*101) is a nonsense variant in FGFR3 predicted to introduce a premature termination codon. This variant has been reported in individuals with FGFR3-related disorders (PMID: 31476288). This variant has been reported as a de novo occurrence in an affected individual (PMID: 31476288). Also, this variant is absent from population databases. Based on the currently available evidence, this variant is classified as likely pathogenic.

Molecular Diagnostics Laboratory, M Health Fairview: University of Minnesota
Classification: Likely pathogenic for Thanatophoric dysplasia. Last evaluated: 2023-05-24. Review status: criteria provided, single submitter. Criteria: ACMG Guidelines, 2015. Collection method: clinical testing. Allele origin: germline. Affected: yes.

GeneReviews
No classification provided. Condition: Thanatophoric dysplasia type 1. Review status: no classification provided. Collection method: literature only. Allele origin: unknown. Not counted in ClinVar's aggregate classification.

Literature cited by the submitters: PubMed 17320202 (cited by Genomenon, Inc); PubMed 17507011 (cited by Genomenon, Inc); PubMed 10 (cited by Genomenon, Inc); PubMed 17509076 (cited by Genomenon, Inc); PubMed 37875969 (cited by Genomenon, Inc); PubMed 34367232 (cited by Genomenon, Inc); PubMed 33942288 (cited by Genomenon, Inc); PubMed 31476288 (cited by Genomenon, Inc and Dasa); PubMed 31299979 (cited by Genomenon, Inc); PubMed 21671381 (cited by Genomenon, Inc); PubMed 30692697 (cited by Genomenon, Inc); PubMed 29593476 (cited by Genomenon, Inc); PubMed 28254233 (cited by Genomenon, Inc); PubMed 8723101 (cited by Genomenon, Inc); PubMed 12210587 (cited by Genomenon, Inc); PubMed 12368206 (cited by Genomenon, Inc); PubMed 18923003 (cited by Genomenon, Inc); PubMed 19215249 (cited by Genomenon, Inc); PubMed 24863959 (cited by Genomenon, Inc); PubMed 25614871 (cited by Genomenon, Inc and Dasa); PubMed 39357670 (cited by Genomenon, Inc); PubMed 25728633 (cited by Genomenon, Inc); PubMed 8845844 (cited by Genomenon, Inc); PubMed 30048571 (cited by Genomenon, Inc); PubMed 29542187 (cited by Genomenon, Inc); PubMed 16841094 (cited by Genomenon, Inc); PubMed 35793999 (cited by Genomenon, Inc); PubMed 34582081 (cited by Genomenon, Inc); PubMed 29068064 (cited by Genomenon, Inc); PubMed 9154000 (cited by Genomenon, Inc); PubMed 26003532 (cited by Genomenon, Inc); PubMed 27987249 (cited by Genomenon, Inc); PubMed 28249712 (cited by Genomenon, Inc); PubMed 9229114 (cited by Genomenon, Inc); PubMed 9076574 (cited by Genomenon, Inc); PubMed 19293680 (cited by Genomenon, Inc); PubMed 7573032 (cited by Genomenon, Inc); PubMed 14745970 (cited by Genomenon, Inc); PubMed 15769677 (cited by Genomenon, Inc); PubMed 9055906 (cited by Genomenon, Inc); PubMed 10425034 (cited by Genomenon, Inc); PubMed 10696568 (cited by Genomenon, Inc); PubMed 11181569 (cited by Genomenon, Inc); PubMed 11241532 (cited by Genomenon, Inc); PubMed 12357475 (cited by Genomenon, Inc); PubMed 17630040 (cited by Genomenon, Inc); PubMed 19066716 (cited by Genomenon, Inc); PubMed 19449430 (cited by Genomenon, Inc); PubMed 19752524 (cited by Genomenon, Inc); PubMed 22414243 (cited by Genomenon, Inc); PubMed 24075385 (cited by Genomenon, Inc); PubMed 25671245 (cited by Genomenon, Inc); PubMed 25800480 (cited by Genomenon, Inc); PubMed 14534538 (cited by Genomenon, Inc); PubMed 17103447 (cited by Genomenon, Inc); PubMed 9133360 (cited by Genomenon, Inc); PubMed 26224133 (cited by Genomenon, Inc); PubMed 22045636 (cited by Genomenon, Inc); PubMed 7647778 (cited by Genomenon, Inc); PubMed 20301540 (cited by GeneReviews); NCBI Bookshelf NBK1366 (cited by GeneReviews).